The following is an entry in ClinVar:

ClinVar aggregate classification (germline): Pathogenic/Likely pathogenic. Review status: criteria provided, multiple submitters, no conflicts (2 of 4 stars). 4 submissions from 4 submitters: Pathogenic (2); Likely pathogenic (1). 1 of the submissions does not count toward it. Last evaluated 2025-06-16.

Conditions:
Meckel syndrome, type 6. Identifiers: Orphanet 564, MedGen C2676790, MONDO:0012848, OMIM 612284.
Joubert syndrome 9 (JBTS9). Identifiers: Orphanet 2318, MedGen C2676788, MONDO:0012849, OMIM 612285.
Joubert syndrome. Also called: Familial aplasia of the vermis; JOUBERT-BOLTSHAUSER SYNDROME. Identifiers: Orphanet 475, MedGen C5979921, MONDO:0018772.
Meckel-Gruber syndrome. Also called: Dysencephalia splachnocystica; DYSENCEPHALIA SPLANCHNOCYSTICA; GRUBER SYNDROME. Identifiers: Orphanet 564, MedGen C0265215, MONDO:0018921.

Submissions (4):

Labcorp Genetics (formerly Invitae), Labcorp
Classification: Pathogenic for Joubert syndrome; Meckel-Gruber syndrome. Last evaluated: 2025-06-16. Review status: criteria provided, single submitter. Criteria: Invitae Variant Classification Sherloc (09022015). Collection method: clinical testing. Allele origin: germline.
Comment: This sequence change falls in intron 31 of the CC2D2A gene. It does not directly change the encoded amino acid sequence of the CC2D2A protein. It affects a nucleotide within the consensus splice site. This variant is not present in population databases (gnomAD no frequency). This variant has been observed in individual(s) with clinical features of Joubert syndrome (PMID: 19466712, 26092869, 29146704; internal data). In at least one individual the data is consistent with being in trans (on the opposite chromosome) from a pathogenic variant. This variant is also known as c.3975delA+1_3delGTA. ClinVar contains an entry for this variant (Variation ID: 217617). Variants that disrupt the consensus splice site are a relatively common cause of aberrant splicing (PMID: 17576681, 9536098). Algorithms developed to predict the effect of sequence changes on RNA splicing suggest that this variant may disrupt the consensus splice site. For these reasons, this variant has been classified as Pathogenic.

UW Hindbrain Malformation Research Program, University of Washington
Classification: Pathogenic for Joubert syndrome 9. Last evaluated: 2015-02-23. Review status: criteria provided, single submitter. Criteria: Bachmann-Gagescu et al. (J Med Genet. 2015). Collection method: research. Allele origin: unknown. Affected: yes.

Juno Genomics, Hangzhou Juno Genomics, Inc
Classification: Likely pathogenic for Joubert syndrome 9; Meckel syndrome, type 6. Review status: criteria provided, single submitter. Criteria: ACMG Guidelines, 2015. Collection method: clinical testing. Allele origin: germline.
Comment: Absent from controls (or at extremely low frequency if recessive) in Genome Aggregation Database.;Multiple lines of computational evidence support a deleterious effect on the gene or gene product.;For recessive disorders, detected in trans with a pathogenic variant.;Patient's phenotype or family history is highly specific for a disease with a single genetic etiology.

Juha Muilu Group; Institute for Molecular Medicine Finland (FIMM)
Classification: Likely pathogenic for Meckel syndrome, type 6. Review status: no assertion criteria provided. Collection method: not provided. Allele origin: unknown. Not counted in ClinVar's aggregate classification.
Comment: FinDis database variant: This variant was not found or characterized by our laboratory, data were collected from public sources: see reference
ClinVar note: Converted during submission from probable-pathogenic to Likely pathogenic.

Literature cited by the submitters: PubMed 19466712 (cited by Labcorp Genetics (formerly Invitae), Labcorp); PubMed 26092869 (cited by Labcorp Genetics (formerly Invitae), Labcorp); PubMed 29146704 (cited by Labcorp Genetics (formerly Invitae), Labcorp); PubMed 17576681 (cited by Labcorp Genetics (formerly Invitae), Labcorp); PubMed 9536098 (cited by Labcorp Genetics (formerly Invitae), Labcorp).

NM_001378615.1(CC2D2A):c.3975+4_3975+7del

Genes: CC2D2A (coiled-coil and C2 domain containing 2A; plus strand), FBXL5 (F-box and leucine rich repeat protein 5; minus strand). Cytogenetic location: 4p15.32.
Variant type: Microsatellite.
Coding change: c.3975+4_3975+7del on transcript NM_001378615.1 (MANE Select); bases 4 to 7 of the intron after coding-DNA position 3975, 4 bases deleted (AGTA; older notation c.3975+4_3975+7delAGTA).
Molecular consequence: splice donor variant.
Genome position (GRCh38, 1-based): chr4:15,580,175-15,580,178, AGTA deleted; deleting any 4 consecutive bases within chr4:15,580,171-15,580,178 gives the same sequence; the c. name uses the placement nearest the transcript's 3' end. VCF-style (leftmost placement, unchanged base first): chr4-15580170-CAGTA-C. GRCh37 (hg19) VCF-style: chr4-15581793-CAGTA-C.
Other names: c.3975+4_3975+7delAGTA (NM_001080522.2); c.3975_3975+3delAGTA (NM_001080522.2); c.3975+4_3975+7del (NM_001080522.2); c.3828+4_3828+7del (NM_001378617.1).
Identifiers: ClinVar variation 217617 (VCV000217617.11), dbSNP rs386833759, ClinGen allele CA144237.